The following is an entry in ClinVar:

NM_001039348.3(EFEMP1):c.1085G>A (p.Arg362Gln)

Gene: EFEMP1 (EGF-like fibulin extracellular matrix protein 1; minus strand). Cytogenetic location: 2p16.1.
Variant type: single nucleotide variant.
Coding change: c.1085G>A on transcript NM_001039348.3 (MANE Select); coding-DNA position 1085, G replaced by A.
Protein change: p.Arg362Gln; replaces arginine 362 with glutamine.
Molecular consequence: missense variant.
Genome position (GRCh38, 1-based): chr2:55,871,039, C>T on the plus strand (G>A on the coding strand, the complement: EFEMP1 is on the minus strand). VCF-style: chr2-55871039-C-T. GRCh37 (hg19) VCF-style: chr2-56098174-C-T.
Other names: c.1085G>A, p.Arg362Gln (NM_001039349.3); c.1085G>A (NM_001039348.2); short protein forms R362Q.
Identifiers: ClinVar variation 1509742 (VCV001509742.7), dbSNP rs369049569, ClinGen allele CA1668749.

ClinVar aggregate classification (germline): Uncertain significance. Review status: criteria provided, multiple submitters, no conflicts (2 of 4 stars). 2 submissions from 2 submitters: Uncertain significance (2). Last evaluated 2026-01-26.

Conditions:
Inborn genetic diseases. Identifiers: MedGen C0950123, MeSH D030342.

Allele frequency attached by ClinVar (database versions not stated): ExAC 0.00002; gnomAD 0.00002; gnomAD exomes 0.00002; TOPMed 0.00002; ESP Exome Variant Server 0.00008.
gnomAD v4.1: 57 of 1,613,566 alleles (0.0035%); highest among the groups gnomAD compares: Admixed American, 0.005%; no homozygotes.

Submissions (2):

Labcorp Genetics (formerly Invitae), Labcorp
Classification: Uncertain significance. Last evaluated: 2026-01-26. Review status: criteria provided, single submitter. Criteria: Invitae Variant Classification Sherloc (09022015). Collection method: clinical testing. Allele origin: germline.
Comment: This sequence change replaces arginine, which is basic and polar, with glutamine, which is neutral and polar, at codon 362 of the EFEMP1 protein (p.Arg362Gln). This variant is present in population databases (rs369049569, gnomAD 0.006%). This variant has not been reported in the literature in individuals affected with EFEMP1-related conditions. ClinVar contains an entry for this variant (Variation ID: 1509742). Invitae Evidence Modeling of protein sequence and biophysical properties (such as structural, functional, and spatial information, amino acid conservation, physicochemical variation, residue mobility, and thermodynamic stability) indicates that this missense variant is not expected to disrupt EFEMP1 protein function with a negative predictive value of 80%. Algorithms developed to predict the effect of sequence changes on RNA splicing suggest that this variant may disrupt the consensus splice site. In summary, the available evidence is currently insufficient to determine the role of this variant in disease. Therefore, it has been classified as a Variant of Uncertain Significance.

Ambry Genetics
Classification: Uncertain significance for Inborn genetic diseases. Last evaluated: 2021-09-15. Review status: criteria provided, single submitter. Criteria: Ambry Variant Classification Scheme 2023. Collection method: clinical testing. Allele origin: germline.